The following is an entry in ClinVar:

NM_001793.6(CDH3):c.1710G>C (p.Lys570Asn)

Gene: CDH3 (cadherin 3; plus strand). Cytogenetic location: 16q22.1.
Variant type: single nucleotide variant.
Coding change: c.1710G>C on transcript NM_001793.6 (MANE Select); coding-DNA position 1710, G replaced by C.
Protein change: p.Lys570Asn; replaces lysine 570 with asparagine.
Molecular consequence: missense variant.
Genome position (GRCh38, 1-based): chr16:68,687,651, G>C. VCF-style: chr16-68687651-G-C. GRCh37 (hg19) VCF-style: chr16-68721554-G-C.
Other names: c.1710G>C, p.Lys570Asn (NM_001317195.3); c.1545G>C, p.Lys515Asn (NM_001317196.2); short protein forms K570N, K515N.
Identifiers: ClinVar variation 2111259 (VCV002111259.4), dbSNP rs1030200780, ClinGen allele CA396454856.

ClinVar aggregate classification (germline): Uncertain significance (1 of 4 stars; one submission).

Submission:

Labcorp Genetics (formerly Invitae), Labcorp
Classification: Uncertain significance. Last evaluated: 2024-02-24. Review status: criteria provided, single submitter. Criteria: Invitae Variant Classification Sherloc (09022015). Collection method: clinical testing. Allele origin: germline.
Comment: This sequence change replaces lysine, which is basic and polar, with asparagine, which is neutral and polar, at codon 570 of the CDH3 protein (p.Lys570Asn). This variant is not present in population databases (gnomAD no frequency). This variant has not been reported in the literature in individuals affected with CDH3-related conditions. ClinVar contains an entry for this variant (Variation ID: 2111259). Advanced modeling of protein sequence and biophysical properties (such as structural, functional, and spatial information, amino acid conservation, physicochemical variation, residue mobility, and thermodynamic stability) performed at Invitae indicates that this missense variant is not expected to disrupt CDH3 protein function with a negative predictive value of 80%. In summary, the available evidence is currently insufficient to determine the role of this variant in disease. Therefore, it has been classified as a Variant of Uncertain Significance.